The following is an entry in ClinVar:

ClinVar aggregate classification (germline): Uncertain significance (1 of 4 stars; one submission).

Conditions:
Ataxia-telangiectasia syndrome (AT). Also called: Ataxia-telangiectasia, complementation group D; AT, COMPLEMENTATION GROUP C; ATAXIA-TELANGIECTASIA, COMPLEMENTATION GROUP A; ATAXIA-TELANGIECTASIA, FRESNO VARIANT; Ataxia-telangiectasia; Ataxia-telangiectasia, complementation group E. Identifiers: Orphanet 100, MedGen C0004135, MONDO:0008840, OMIM 208900.

gnomAD v4.1: 1 of 1,613,240 alleles (0.000062%); highest among the groups gnomAD compares: South Asian, 0.0011%; no homozygotes.

Submission:

Labcorp Genetics (formerly Invitae), Labcorp
Classification: Uncertain significance for Ataxia-telangiectasia syndrome. Last evaluated: 2024-10-15. Review status: criteria provided, single submitter. Criteria: Invitae Variant Classification Sherloc (09022015). Collection method: clinical testing. Allele origin: germline.
Comment: This sequence change replaces cysteine, which is neutral and slightly polar, with tyrosine, which is neutral and polar, at codon 2607 of the ATM protein (p.Cys2607Tyr). This variant is not present in population databases (gnomAD no frequency). This variant has not been reported in the literature in individuals affected with ATM-related conditions. Invitae Evidence Modeling of protein sequence and biophysical properties (such as structural, functional, and spatial information, amino acid conservation, physicochemical variation, residue mobility, and thermodynamic stability) indicates that this missense variant is not expected to disrupt ATM protein function with a negative predictive value of 95%. In summary, the available evidence is currently insufficient to determine the role of this variant in disease. Therefore, it has been classified as a Variant of Uncertain Significance.

NM_000051.4(ATM):c.7820G>A (p.Cys2607Tyr)

Genes: ATM (ATM serine/threonine kinase; plus strand), C11orf65 (chromosome 11 open reading frame 65; minus strand). Cytogenetic location: 11q22.3.
Variant type: single nucleotide variant.
Coding change: c.7820G>A on transcript NM_000051.4 (MANE Select); coding-DNA position 7820, G replaced by A.
Protein change: p.Cys2607Tyr; replaces cysteine 2607 with tyrosine.
Molecular consequence: missense variant. On other transcripts: intron variant (2).
Genome position (GRCh38, 1-based): chr11:108,332,793, G>A. VCF-style: chr11-108332793-G-A. GRCh37 (hg19) VCF-style: chr11-108203520-G-A.
Other names: c.7820G>A, p.Cys2607Tyr (NM_001351834.2); c.641-23722C>T (NM_001330368.2); c.*38+2427C>T (NM_001351110.2); short protein forms C2607Y.
Identifiers: ClinVar variation 3709686 (VCV003709686.2).